The following is an entry in ClinVar:

ClinVar aggregate classification (germline): Uncertain significance (1 of 4 stars; one submission).

Allele frequency attached by ClinVar (database versions not stated): gnomAD exomes below 0.00001.
gnomAD v4.1: 1 of 1,613,490 alleles (0.000062%); highest among the groups gnomAD compares: Non-Finnish European, 0.000085%; no homozygotes.

Submission:

Labcorp Genetics (formerly Invitae), Labcorp
Classification: Uncertain significance. Last evaluated: 2022-12-12. Review status: criteria provided, single submitter. Criteria: Invitae Variant Classification Sherloc (09022015). Collection method: clinical testing. Allele origin: germline.
Comment: In summary, the available evidence is currently insufficient to determine the role of this variant in disease. Therefore, it has been classified as a Variant of Uncertain Significance. Algorithms developed to predict the effect of missense changes on protein structure and function are either unavailable or do not agree on the potential impact of this missense change (SIFT: "Deleterious"; PolyPhen-2: "Not Available"; Align-GVGD: "Class C0"). This sequence change replaces glutamine, which is neutral and polar, with arginine, which is basic and polar, at codon 4402 of the PCLO protein (p.Gln4402Arg). This variant has not been reported in the literature in individuals affected with PCLO-related conditions. This variant is not present in population databases (gnomAD no frequency).

NM_033026.6(PCLO):c.13205A>G (p.Gln4402Arg)

Gene: PCLO (piccolo presynaptic cytomatrix protein; minus strand). Cytogenetic location: 7q21.11.
Variant type: single nucleotide variant.
Coding change: c.13205A>G on transcript NM_033026.6 (MANE Select); coding-DNA position 13205, A replaced by G.
Protein change: p.Gln4402Arg; replaces glutamine 4402 with arginine.
Molecular consequence: missense variant.
Genome position (GRCh38, 1-based): chr7:82,914,781, T>C on the plus strand (A>G on the coding strand, the complement: PCLO is on the minus strand). VCF-style: chr7-82914781-T-C. GRCh37 (hg19) VCF-style: chr7-82544097-T-C.
Other names: c.13205A>G, p.Gln4402Arg (NM_014510.3); short protein forms Q4402R.
Identifiers: ClinVar variation 2186284 (VCV002186284.4), dbSNP rs2535545400, ClinGen allele CA367883666.
Genomic context (GRCh38, chr7:82,914,781, plus strand): 5'-ATGATGAATGCTATGTCACGGTCATAGCCTCGAGTCCGTGATTCTTCCCTCATGTGTTGC[T>C]GAACTTCAGGCAATGAGTGGCTTGATCCAAACTGATCCCTGGTGTCTGCAGATATTGGTG-3'
Protein context (NP_149015.2, residues 4392-4412): FGSSHSLPEV[Gln4402Arg]QHMREESRTR